The following is an entry in ClinVar:

NM_020812.4(DOCK6):c.3895-48_3895-47del

Genes: DOCK6 (dedicator of cytokinesis 6; minus strand), DOCK6-AS1 (DOCK6 antisense RNA 1; plus strand). Cytogenetic location: 19p13.2.
Variant type: Deletion.
Coding change: c.3895-48_3895-47del on transcript NM_020812.4 (MANE Select); 48 bases into the intron before coding-DNA position 3895 through 47 bases into the intron before coding-DNA position 3895, 2 bases deleted (CC; older notation c.3895-48_3895-47delCC).
Molecular consequence: intron variant.
Genome position (GRCh38, 1-based): chr19:11,215,974-11,215,975, GG deleted on the plus strand (CC on the coding strand, the reverse complement: DOCK6 is on the minus strand); deleting any 2 consecutive bases within chr19:11,215,974-11,215,979 gives the same sequence; the c. name uses the placement nearest the transcript's 3' end. VCF-style (leftmost placement, unchanged base first): chr19-11215973-CGG-C. GRCh37 (hg19) VCF-style: chr19-11326649-CGG-C.
Other names: NC_000019.9:g.11215978_11215979delGG; c.4000-48_4000-47del (NM_001367830.1).
Identifiers: ClinVar variation 1693162 (VCV001693162.3), dbSNP rs745742009, ClinGen allele CA2580096424.
Genomic context (GRCh38, chr19:11,215,973, plus strand): 5'-AAAGGCCTTTTTCCCCTGGGGGTGCAGAGAACTGGGGTTCCAGGCTGACTCTGCTCTTTT[CGG>C]GGGGACCTGGGCTGGCCCCATCCCTTTCTTTGTGCTCTTTCTCACCTCCGGGCCCCTGTG-3'

ClinVar aggregate classification (germline): Likely pathogenic (0 of 4 stars; one submission).

Conditions:
Hypercholanemia, familial 1 (FHCA1). Identifiers: Orphanet 238475, MedGen C5542604, MONDO:0031446, OMIM 607748.

Submission:

Kazan State Medical University
Classification: Likely pathogenic for Hypercholanemia, familial 1. Last evaluated: 2022-01-14. Review status: no assertion criteria provided. Collection method: clinical testing. Allele origin: germline. Inheritance: Autosomal dominant inheritance. Affected: yes. Observed: 1 heterozygote.
Comment: This varisant has not been reported before and has not been reported in public genotyping databases of the general population. However, its predicted molecular effect is a frameshift mutation. Such variants usually change the synthesis of LDL receptors, which are usually pathogenic. In addition, epidemiological studies have consistently shown that this type of variant is associated with more severe phenotypic manifestations.

Literature cited by the submitters: DOI 10.5001/omj.2014.22.